The following is an entry in ClinVar:

ClinVar aggregate classification (germline): Conflicting classifications of pathogenicity. Review status: criteria provided, conflicting classifications (1 of 4 stars). 6 submissions from 6 submitters: Uncertain significance (1); Benign (1); Likely benign (3). 1 of the submissions does not count toward it. Last evaluated 2026-02-01.

Conditions:
PLEC-related disorder. Also called: PLEC-related condition; PLEC-related disorders.
Autosomal recessive limb-girdle muscular dystrophy type 2Q (LGMDR17). Also called: MUSCULAR DYSTROPHY, LIMB-GIRDLE, AUTOSOMAL RECESSIVE 17. Identifiers: Orphanet 254361, MedGen C3150989, MONDO:0013390, OMIM 613723.
Epidermolysis bullosa simplex with nail dystrophy (EBS5D). Identifiers: MedGen C4225309, MONDO:0014661, OMIM 616487.
Epidermolysis bullosa simplex 5C, with pyloric atresia (EBS5C). Also called: PLEC-Related Epidermolysis Bullosa with Pyloric Atresia; PLEC1-Related Epidermolysis Bullosa with Pyloric Atresia; Epidermolysis bullosa simplex with pyloric atresia. Identifiers: Orphanet 158684, MedGen C2677349, MONDO:0012807, OMIM 612138.
Epidermolysis bullosa simplex, Ogna type (EBS5A). Also called: Pidermolysis bullosa simplex 5A, Ogna type; EPIDERMOLYSIS BULLOSA SIMPLEX 5A, OGNA TYPE. Identifiers: Orphanet 79401, MedGen C0432317, MONDO:0007555, OMIM 131950.
Epidermolysis bullosa simplex 5B, with muscular dystrophy (EBS5B). Also called: Epidermolysis bullosa simplex with muscular dystrophy; EPIDERMOLYSIS BULLOSA SIMPLEX AND LIMB-GIRDLE MUSCULAR DYSTROPHY. Identifiers: Orphanet 257, MedGen C2931072, MONDO:0009181, OMIM 226670.

Allele frequency attached by ClinVar (database versions not stated): gnomAD exomes 0.00021 and 0.00034; gnomAD 0.00023 and 0.00019; TOPMed 0.00029; 1000 Genomes Project 30x 0.00031; ExAC 0.00039; 1000 Genomes Project 0.00040.
gnomAD v4.1: 344 of 1,613,770 alleles (0.021%); highest among the groups gnomAD compares: East Asian, 0.34%; 1 homozygote.

Submissions (6):

Labcorp Genetics (formerly Invitae), Labcorp
Classification: Benign for Autosomal recessive limb-girdle muscular dystrophy type 2Q; Epidermolysis bullosa simplex, Ogna type; Epidermolysis bullosa simplex with nail dystrophy; Epidermolysis bullosa simplex 5C, with pyloric atresia; Epidermolysis bullosa simplex 5B, with muscular dystrophy. Last evaluated: 2026-02-01. Review status: criteria provided, single submitter. Criteria: Invitae Variant Classification Sherloc (09022015). Collection method: clinical testing. Allele origin: germline.

Blueprint Genetics
Classification: Likely benign. Last evaluated: 2024-11-13. Review status: criteria provided, single submitter. Criteria: ACMG Guidelines, 2015. Collection method: clinical testing. Allele origin: germline.

CeGaT Center for Human Genetics Tuebingen
Classification: Likely benign. Last evaluated: 2022-04-01. Review status: criteria provided, single submitter. Criteria: CeGaT Center For Human Genetics Tuebingen Variant Classification Criteria Version 2. Collection method: clinical testing. Allele origin: germline. Affected: yes. Observed: 2 variant alleles.
Comment: PLEC: BP4, BP7

GeneDx
Classification: Likely benign. Last evaluated: 2019-01-08. Review status: criteria provided, single submitter. Criteria: GeneDx Variant Classification Process June 2021. Collection method: clinical testing. Allele origin: germline. Affected: yes.

Eurofins Ntd Llc (ga)
Classification: Uncertain significance. Last evaluated: 2018-08-30. Review status: criteria provided, single submitter. Criteria: EGL ClinVar v180209 classification definitions. Collection method: clinical testing. Allele origin: germline. Observed: 3 variant alleles, 3 heterozygotes.

PreventionGenetics, part of Exact Sciences
Classification: Likely benign for PLEC-related condition. Last evaluated: 2024-04-24. Review status: no assertion criteria provided. Collection method: clinical testing. Allele origin: germline. Not counted in ClinVar's aggregate classification.
Comment: This variant is classified as likely benign based on ACMG/AMP sequence variant interpretation guidelines (Richards et al. 2015 PMID: 25741868, with internal and published modifications).

NM_201384.3(PLEC):c.12216C>T (p.Phe4072=)

Gene: PLEC (plectin; minus strand). Cytogenetic location: 8q24.3.
Variant type: single nucleotide variant.
Coding change: c.12216C>T on transcript NM_201384.3 (MANE Select); coding-DNA position 12216, C replaced by T.
Protein change: p.Phe4072=; no amino-acid change (phenylalanine 4072 retained).
Molecular consequence: synonymous variant.
Genome position (GRCh38, 1-based): chr8:143,917,605, G>A on the plus strand (C>T on the coding strand, the complement: PLEC is on the minus strand). VCF-style: chr8-143917605-G-A. GRCh37 (hg19) VCF-style: chr8-144991773-G-A.
Other names: c.12297C>T, p.Phe4099= (NM_000445.5); c.12174C>T, p.Phe4058= (NM_201378.4); c.12150C>T, p.Phe4050= (NM_201379.3); c.12627C>T, p.Phe4209= (NM_201380.4); c.12120C>T, p.Phe4040= (NM_201381.3); c.12216C>T, p.Phe4072= (NM_201382.4); c.12228C>T, p.Phe4076= (NM_201383.3).
Identifiers: ClinVar variation 286016 (VCV000286016.53), dbSNP rs150427959, ClinGen allele CA4924149.